The following is an entry in ClinVar:

NM_147127.5(EVC2):c.1554_1604del (p.Gln518_Asn535delinsHis)

Gene: EVC2 (EvC ciliary complex subunit 2; minus strand). Cytogenetic location: 4p16.2.
Variant type: Deletion.
Coding change: c.1554_1604del on transcript NM_147127.5 (MANE Select); coding-DNA positions 1554 to 1604, 51 bases deleted.
Protein change: p.Gln518_Asn535delinsHis.
Molecular consequence: inframe indel.
Genome position (GRCh38, 1-based): chr4:5,631,899-5,631,949, 51 bases deleted. GRCh37 (hg19): chr4:5,633,627-5,633,677.
Other names: c.1314_1364del, p.Gln438_Asn455delinsHis (NM_001166136.2).
Identifiers: ClinVar variation 4787215 (VCV004787215.1).

ClinVar aggregate classification (germline): Uncertain significance (1 of 4 stars; one submission).

Conditions:
Ellis-van Creveld syndrome (EVC). Also called: EVC-Related Ellis-van Creveld Syndrome; EVC2-Related Ellis-van Creveld Syndrome; MESOECTODERMAL DYSPLASIA; Chondroectodermal dysplasia. Identifiers: Orphanet 289, MedGen C0013903, MONDO:0009162, OMIM 225500.
Curry-Hall syndrome (WAD). Also called: WEYERS ACRODENTAL DYSOSTOSIS. Identifiers: Orphanet 952, MedGen C0457013, MONDO:0008673, OMIM 193530.

Submission:

Labcorp Genetics (formerly Invitae), Labcorp
Classification: Uncertain significance for Curry-Hall syndrome; Ellis-van Creveld syndrome. Last evaluated: 2025-08-15. Review status: criteria provided, single submitter. Criteria: Invitae Variant Classification Sherloc (09022015). Collection method: clinical testing. Allele origin: germline.
Comment: This variant, c.1554_1604del, is a complex sequence change that results in the deletion of 18 and insertion of 1 amino acid(s) in the EVC2 protein (p.Gln518_Asn535delinsHis). This variant is present in population databases (no rsID available, gnomAD 0.0009%). This variant has not been reported in the literature in individuals affected with EVC2-related conditions. Experimental studies and prediction algorithms are not available or were not evaluated, and the functional significance of this variant is currently unknown. In summary, the available evidence is currently insufficient to determine the role of this variant in disease. Therefore, it has been classified as a Variant of Uncertain Significance.